The following is an entry in ClinVar:

ClinVar aggregate classification (germline): Uncertain significance (1 of 4 stars; one submission).

Allele frequency attached by ClinVar (database versions not stated): gnomAD exomes 0.00001 and 0.00003; TOPMed 0.00001; gnomAD 0.00002; ExAC 0.00006; ESP Exome Variant Server 0.00008.
gnomAD v4.1: 16 of 1,610,878 alleles (0.00099%); highest among the groups gnomAD compares: South Asian, 0.0011%; no homozygotes.

Submission:

Labcorp Genetics (formerly Invitae), Labcorp
Classification: Uncertain significance. Last evaluated: 2022-03-09. Review status: criteria provided, single submitter. Criteria: Invitae Variant Classification Sherloc (09022015). Collection method: clinical testing. Allele origin: germline.
Comment: This sequence change replaces glycine, which is neutral and non-polar, with arginine, which is basic and polar, at codon 219 of the SPEG protein (p.Gly219Arg). This variant is present in population databases (rs375417298, gnomAD 0.005%). This variant has not been reported in the literature in individuals affected with SPEG-related conditions. Algorithms developed to predict the effect of missense changes on protein structure and function are either unavailable or do not agree on the potential impact of this missense change (SIFT: "Deleterious"; PolyPhen-2: "Benign"; Align-GVGD: "Class C65"). In summary, the available evidence is currently insufficient to determine the role of this variant in disease. Therefore, it has been classified as a Variant of Uncertain Significance.

NM_005876.5(SPEG):c.655G>A (p.Gly219Arg)

Gene: SPEG (striated muscle enriched protein kinase; plus strand). Cytogenetic location: 2q35.
Variant type: single nucleotide variant.
Coding change: c.655G>A on transcript NM_005876.5 (MANE Select); coding-DNA position 655, G replaced by A.
Protein change: p.Gly219Arg; replaces glycine 219 with arginine.
Molecular consequence: missense variant.
Genome position (GRCh38, 1-based): chr2:219,445,001, G>A. VCF-style: chr2-219445001-G-A. GRCh37 (hg19) VCF-style: chr2-220309723-G-A.
Other names: short protein forms G219R.
Identifiers: ClinVar variation 1389032 (VCV001389032.5), dbSNP rs375417298, ClinGen allele CA2125541.